The following is an entry in ClinVar:

NM_032043.3(BRIP1):c.1201T>A (p.Cys401Ser)

Gene: BRIP1 (BRCA1 interacting DNA helicase 1; minus strand). Cytogenetic location: 17q23.2.
Variant type: single nucleotide variant.
Coding change: c.1201T>A on transcript NM_032043.3 (MANE Select); coding-DNA position 1201, T replaced by A.
Protein change: p.Cys401Ser; replaces cysteine 401 with serine.
Molecular consequence: missense variant.
Genome position (GRCh38, 1-based): chr17:61,799,239, A>T on the plus strand (T>A on the coding strand, the complement: BRIP1 is on the minus strand). VCF-style: chr17-61799239-A-T. GRCh37 (hg19) VCF-style: chr17-59876600-A-T.
Other names: short protein forms C401S.
Identifiers: ClinVar variation 818522 (VCV000818522.4), dbSNP rs756636362, ClinGen allele CA400483703.

ClinVar aggregate classification (germline): Uncertain significance (1 of 4 stars; one submission).

Conditions:
Hereditary cancer-predisposing syndrome. Also called: Tumor predisposition; Hereditary neoplastic syndrome; Neoplastic Syndromes, Hereditary; Hereditary Cancer Syndrome. Identifiers: Orphanet 140162, MedGen C0027672, MeSH D009386, MONDO:0015356.

Submission:

Ambry Genetics
Classification: Uncertain significance for Hereditary cancer-predisposing syndrome. Last evaluated: 2019-12-09. Review status: criteria provided, single submitter. Criteria: Ambry Variant Classification Scheme 2023. Collection method: clinical testing. Allele origin: germline.
Comment: The p.C401S variant (also known as c.1201T>A), located in coding exon 8 of the BRIP1 gene, results from a T to A substitution at nucleotide position 1201. The cysteine at codon 401 is replaced by serine, an amino acid with dissimilar properties. This amino acid position is highly conserved in available vertebrate species. In addition, the in silico prediction for this alteration is inconclusive. Since supporting evidence is limited at this time, the clinical significance of this alteration remains unclear.